The following is an entry in ClinVar:

NM_006648.4(WNK2):c.446C>T (p.Ala149Val)

Gene: WNK2 (WNK lysine deficient protein kinase 2; plus strand). Cytogenetic location: 9q22.31.
Variant type: single nucleotide variant.
Coding change: c.446C>T on transcript NM_006648.4 (MANE Select); coding-DNA position 446, C replaced by T.
Protein change: p.Ala149Val; replaces alanine 149 with valine.
Molecular consequence: missense variant.
Genome position (GRCh38, 1-based): chr9:93,185,375, C>T. VCF-style: chr9-93185375-C-T. GRCh37 (hg19) VCF-style: chr9-95947657-C-T.
Other names: c.446C>T, p.Ala149Val (NM_001282394.3); short protein forms A149V.
Identifiers: ClinVar variation 3816662 (VCV003816662.1).

ClinVar aggregate classification (germline): Uncertain significance (1 of 4 stars; one submission).

gnomAD v4.1: 3 of 1,582,440 alleles (0.00019%); highest among the groups gnomAD compares: African/African-American, 0.0013%; no homozygotes.

Submission:

Ambry Genetics
Classification: Uncertain significance. Last evaluated: 2024-12-29. Review status: criteria provided, single submitter. Criteria: Ambry Variant Classification Scheme 2023. Collection method: clinical testing. Allele origin: germline.
Comment: The p.A149V variant (also known as c.446C>T), located in coding exon 1 of the WNK2 gene, results from a C to T substitution at nucleotide position 446. The alanine at codon 149 is replaced by valine, an amino acid with similar properties. This amino acid position is conserved. In addition, this alteration is predicted to be tolerated by in silico analysis. Based on the available evidence, the clinical significance of this variant remains unclear.